The following is an entry in ClinVar:

ClinVar aggregate classification (germline): Uncertain significance. Review status: criteria provided, multiple submitters, no conflicts (2 of 4 stars). 2 submissions from 2 submitters: Uncertain significance (2). Last evaluated 2025-10-04.

Conditions:
Cardiovascular phenotype. Identifiers: MedGen CN230736.
Long QT syndrome (LQTS). Identifiers: MedGen C0023976, MeSH D008133, MONDO:0002442. Disease mechanism: loss of function. Inheritance: Various modes of inheritance.

Allele frequency attached by ClinVar (database versions not stated): gnomAD exomes 0.00002.
gnomAD v4.1: 26 of 1,613,802 alleles (0.0016%); highest among the groups gnomAD compares: Non-Finnish European, 0.0021%; no homozygotes.

Submissions (2):

Labcorp Genetics (formerly Invitae), Labcorp
Classification: Uncertain significance for Long QT syndrome. Last evaluated: 2025-10-04. Review status: criteria provided, single submitter. Criteria: Invitae Variant Classification Sherloc (09022015). Collection method: clinical testing. Allele origin: germline.
Comment: This sequence change replaces aspartic acid, which is acidic and polar, with asparagine, which is neutral and polar, at codon 3692 of the AKAP9 protein (p.Asp3692Asn). This variant is present in population databases (rs750871444, gnomAD 0.0009%). This variant has not been reported in the literature in individuals affected with AKAP9-related conditions. ClinVar contains an entry for this variant (Variation ID: 1793849). An algorithm developed to predict the effect of missense changes on protein structure and function (PolyPhen-2) suggests that this variant is likely to be tolerated. In summary, the available evidence is currently insufficient to determine the role of this variant in disease. Therefore, it has been classified as a Variant of Uncertain Significance.

Ambry Genetics
Classification: Uncertain significance for Cardiovascular phenotype. Last evaluated: 2021-08-22. Review status: criteria provided, single submitter. Criteria: Ambry Variant Classification Scheme 2023. Collection method: clinical testing. Allele origin: germline.
Comment: The p.D3692N variant (also known as c.11074G>A), located in coding exon 45 of the AKAP9 gene, results from a G to A substitution at nucleotide position 11074. The aspartic acid at codon 3692 is replaced by asparagine, an amino acid with highly similar properties. This amino acid position is conserved. In addition, this alteration is predicted to be tolerated by in silico analysis. Since supporting evidence is limited at this time, the clinical significance of this alteration remains unclear.

NM_005751.5(AKAP9):c.11074G>A (p.Asp3692Asn)

Gene: AKAP9 (A-kinase anchoring protein 9; plus strand). Cytogenetic location: 7q21.2.
Variant type: single nucleotide variant.
Coding change: c.11074G>A on transcript NM_005751.5 (MANE Select); coding-DNA position 11074, G replaced by A.
Protein change: p.Asp3692Asn; replaces aspartic acid 3692 with asparagine.
Molecular consequence: missense variant.
Genome position (GRCh38, 1-based): chr7:92,101,033, G>A. VCF-style: chr7-92101033-G-A. GRCh37 (hg19) VCF-style: chr7-91730347-G-A.
Other names: c.5719G>A, p.Asp1907Asn (NM_001379277.1); c.11050G>A, p.Asp3684Asn (NM_147185.3); short protein forms D3684N, D1907N, D3692N.
Identifiers: ClinVar variation 1793849 (VCV001793849.3), dbSNP rs750871444, ClinGen allele CA161899502.